The following is an entry in ClinVar:

NM_001375834.1(WIPF1):c.13C>T (p.Pro5Ser)

Genes: WIPF1 (WAS/WASL interacting protein family member 1; minus strand), WIPF1-AS1 (WIPF1 and CHRNA1 antisense RNA 1; plus strand). Cytogenetic location: 2q31.1.
Variant type: single nucleotide variant.
Coding change: c.13C>T on transcript NM_001375834.1 (MANE Select); coding-DNA position 13, C replaced by T.
Protein change: p.Pro5Ser; replaces proline 5 with serine.
Molecular consequence: missense variant.
Genome position (GRCh38, 1-based): chr2:174,585,561, G>A on the plus strand (C>T on the coding strand, the complement: WIPF1 is on the minus strand). VCF-style: chr2-174585561-G-A. GRCh37 (hg19) VCF-style: chr2-175450289-G-A.
Other names: c.13C>T, p.Pro5Ser (NM_001077269.1, NM_001375832.1, NM_001375833.1 and 6 more transcripts); short protein forms P5S.
Identifiers: ClinVar variation 1351119 (VCV001351119.6), dbSNP rs753073816, ClinGen allele CA349687932.

ClinVar aggregate classification (germline): Uncertain significance (1 of 4 stars; one submission).

Conditions:
Wiskott-Aldrich syndrome 2 (WAS2). Also called: WIPF1 DEFICIENCY. Identifiers: Orphanet 906, MedGen C3281001, MONDO:0013779, OMIM 614493.

Submission:

Labcorp Genetics (formerly Invitae), Labcorp
Classification: Uncertain significance for Wiskott-Aldrich syndrome 2. Last evaluated: 2024-10-16. Review status: criteria provided, single submitter. Criteria: Invitae Variant Classification Sherloc (09022015). Collection method: clinical testing. Allele origin: germline.
Comment: This sequence change replaces proline, which is neutral and non-polar, with serine, which is neutral and polar, at codon 5 of the WIPF1 protein (p.Pro5Ser). This variant is not present in population databases (gnomAD no frequency). This variant has not been reported in the literature in individuals affected with WIPF1-related conditions. ClinVar contains an entry for this variant (Variation ID: 1351119). Experimental studies and prediction algorithms are not available or were not evaluated, and the functional significance of this variant is currently unknown. In summary, the available evidence is currently insufficient to determine the role of this variant in disease. Therefore, it has been classified as a Variant of Uncertain Significance.